The following is an entry in ClinVar:

NM_002471.4(MYH6):c.824T>A (p.Ile275Asn)

Gene: MYH6 (myosin heavy chain 6; minus strand). Cytogenetic location: 14q11.2.
Variant type: single nucleotide variant.
Coding change: c.824T>A on transcript NM_002471.4 (MANE Select); coding-DNA position 824, T replaced by A.
Protein change: p.Ile275Asn; replaces isoleucine 275 with asparagine.
Molecular consequence: missense variant.
Genome position (GRCh38, 1-based): chr14:23,403,422, A>T on the plus strand (T>A on the coding strand, the complement: MYH6 is on the minus strand). VCF-style: chr14-23403422-A-T. GRCh37 (hg19) VCF-style: chr14-23872631-A-T.
Other names: short protein forms I275N.
Identifiers: ClinVar variation 44545 (VCV000044545.41), dbSNP rs201327273, ClinGen allele CA134496.

ClinVar aggregate classification (germline): Conflicting classifications of pathogenicity. Review status: criteria provided, conflicting classifications (1 of 4 stars). 10 submissions from 10 submitters: Uncertain significance (5); Likely benign (4). 1 of the submissions does not count toward it. Last evaluated 2026-01-25.

Conditions:
MYH6-related disorder. Also called: MYH6-Related Disorders; MYH6-related condition.
Cardiovascular phenotype. Identifiers: MedGen CN230736.
Hypertrophic cardiomyopathy 14. Identifiers: MedGen C2750467, MONDO:0013197, OMIM 613251.
Primary dilated cardiomyopathy (DCM). Also called: Dilated Cardiomyopathy. Identifiers: Orphanet 217604, MedGen C0007193, MeSH D002311, MONDO:0005021, HP:0001644. Inheritance: Various modes of inheritance.
Primary familial dilated cardiomyopathy (FDC). Also called: Familial dilated cardiomyopathy; Hypokinetic dilated cardiomyopathy, familial. Identifiers: Orphanet 217607, MedGen C0340427, MONDO:0016333.

Allele frequency attached by ClinVar (database versions not stated): ExAC 0.00017; gnomAD 0.00018 and 0.00019; TOPMed 0.00018; ESP Exome Variant Server 0.00023.
gnomAD v4.1: 232 of 1,613,924 alleles (0.014%); highest among the groups gnomAD compares: Middle Eastern, 0.049%; no homozygotes.

Submissions (10):

Labcorp Genetics (formerly Invitae), Labcorp
Classification: Likely benign for Hypertrophic cardiomyopathy 14. Last evaluated: 2026-01-25. Review status: criteria provided, single submitter. Criteria: Invitae Variant Classification Sherloc (09022015). Collection method: clinical testing. Allele origin: germline.

GeneDx
Classification: Uncertain significance. Last evaluated: 2024-12-04. Review status: criteria provided, single submitter. Criteria: GeneDx Variant Classification Process June 2021. Collection method: clinical testing. Allele origin: germline. Affected: yes.
Comment: Identified in patients with cardiomyopathy in published literature; several patients also harbored the p.(R1502Q) variant in the MYH6 gene and/or additional cardiogenetic variants; Identified in a patient with Opsismodysplasia (OPSMD) and DCM who was homozygous for a frameshift variant in the INPPL1 gene (Muneer A., et al. (2020) JBCGenetics. DOI 10.24911/JBCGenetics/183-1595951481); In silico analysis supports that this missense variant has a deleterious effect on protein structure/function; This variant is associated with the following publications: (PMID: 22337857, 23861362, 23299917, 15998695, 21483645, 20215591, 25351510, AlMutairi2020[Publication])

Blueprint Genetics
Classification: Likely benign. Last evaluated: 2024-09-23. Review status: criteria provided, single submitter. Criteria: ACMG Guidelines, 2015. Collection method: clinical testing. Allele origin: germline.

CeGaT Center for Human Genetics Tuebingen
Classification: Likely benign. Last evaluated: 2024-09-01. Review status: criteria provided, single submitter. Criteria: CeGaT Center For Human Genetics Tuebingen Variant Classification Criteria Version 2. Collection method: clinical testing. Allele origin: germline. Affected: yes. Observed: 1 variant allele.
Comment: MYH6: BS1

Ambry Genetics
Classification: Likely benign for Cardiovascular phenotype. Last evaluated: 2022-12-21. Review status: criteria provided, single submitter. Criteria: Ambry Variant Classification Scheme 2023. Collection method: clinical testing. Allele origin: germline.

Mendelics
Classification: Uncertain significance for Hypertrophic cardiomyopathy 14. Last evaluated: 2019-05-28. Review status: criteria provided, single submitter. Criteria: Mendelics Assertion Criteria 2017. Collection method: clinical testing. Allele origin: unknown.

Biesecker Lab/Clinical Genomics Section, National Institutes of Health
Classification: Uncertain significance for Primary dilated cardiomyopathy. Last evaluated: 2018-04-05. Review status: criteria provided, single submitter. Criteria: ACMG Guidelines, 2015. Collection method: research. Allele origin: unknown. Affected: no. Observed: 1 variant allele.
Comment: The study set was not selected for affection status in relation to arrhythmia or cardiomyopathy. Pathogenicity categories were based on literature curation. See Pubmed ID:25741868 for details.

Medical sequencing

Molecular Diagnostic Laboratory for Inherited Cardiovascular Disease, Montreal Heart Institute
Classification: Uncertain significance for Primary familial dilated cardiomyopathy. Last evaluated: 2016-07-29. Review status: criteria provided, single submitter. Criteria: ACMG Guidelines, 2015. Collection method: clinical testing. Allele origin: germline. Affected: yes.

Laboratory for Molecular Medicine, Mass General Brigham Personalized Medicine
Classification: Uncertain significance. Last evaluated: 2012-04-20. Review status: criteria provided, single submitter. Criteria: LMM Criteria. Collection method: clinical testing. Allele origin: germline. Observed: 1 variant allele.
Comment: Variant classified as Uncertain Significance - Favor Benign. The Ile275Asn varia nt (MYH6) was reported in two individuals with DCM (Carniel 2005, Hershberger 20 10, Rampersaud 2011). One of these individuals also carried a pathogenic DCM va riant as well as a second variant in MYH6 (Arg1502Gln) (Hershberger 2010). In th e family reported by Carniel 2005, the variant was detected in multiple affected but also unaffected individuals. The variant was present in 0.05% (3/7020) of E uropean American chromosomes from a broad population by the NHLBI Exome Sequenci ng Project; however, this frequency is too l ow to confidently rule out a disease causing role. Isoleucine (Ile) at position 275 is not well conserved in evolution, suggesting that a change may be tolerate d. Other computational analyses (biochemical amino acid properties, AlignGVGD, PolyPhen2, and SIFT) do not provide strong support for or against an impact to t he protein. In summary, this variant is more likely to be benign but additional studies are needed to determine this with confidence.

PreventionGenetics, part of Exact Sciences
Classification: Likely benign for MYH6-related condition. Last evaluated: 2020-09-28. Review status: no assertion criteria provided. Collection method: clinical testing. Allele origin: germline. Not counted in ClinVar's aggregate classification.
Comment: This variant is classified as likely benign based on ACMG/AMP sequence variant interpretation guidelines (Richards et al. 2015 PMID: 25741868, with internal and published modifications).

Literature cited by the submitters: PubMed 15998695 (cited by Ambry Genetics and Laboratory for Molecular Medicine, Mass General Brigham Personalized Medicine); PubMed 20215591 (cited by Ambry Genetics and Laboratory for Molecular Medicine, Mass General Brigham Personalized Medicine); PubMed 21483645 (cited by Ambry Genetics and Laboratory for Molecular Medicine, Mass General Brigham Personalized Medicine); PubMed 23299917 (cited by Ambry Genetics); PubMed 27532257 (cited by Ambry Genetics).